The following is an entry in ClinVar:

NM_001008212.2(OPTN):c.436C>T (p.Gln146Ter)

Gene: OPTN (optineurin; plus strand). Cytogenetic location: 10p13.
Variant type: single nucleotide variant.
Coding change: c.436C>T on transcript NM_001008212.2 (MANE Select); coding-DNA position 436, C replaced by T.
Protein change: p.Gln146Ter; replaces glutamine 146 with a stop codon.
Molecular consequence: nonsense.
Genome position (GRCh38, 1-based): chr10:13,112,519, C>T. VCF-style: chr10-13112519-C-T. GRCh37 (hg19) VCF-style: chr10-13154519-C-T.
Other names: c.436C>T, p.Gln146Ter (NM_021980.4, NM_001008211.1, NM_001008213.1); short protein forms Q146*.
Identifiers: ClinVar variation 3896938 (VCV003896938.1), dbSNP rs2131488944.
Genomic context (GRCh38, chr10:13,112,519, plus strand): 5'-ACTGATGACTCCAGGCTTCCCAGGGCCGAAGCGGAGCAGGAAAAGGACCAGCTCAGGACC[C>T]AGGTGGTGAGGCTACAAGCAGAGAAGGCAGACCTGTTGGGCATCGTGTCTGAACTGCAGC-3'

ClinVar aggregate classification (germline): Likely pathogenic (1 of 4 stars; one submission).

Conditions:
Amyotrophic lateral sclerosis type 12 (ALS12). Also called: AMYOTROPHIC LATERAL SCLEROSIS 12 WITH OR WITHOUT FRONTOTEMPORAL DEMENTIA. Identifiers: Orphanet 803, MedGen C3150692, MONDO:0013264, OMIM 613435.

Submission:

Kariminejad - Najmabadi Pathology & Genetics Center
Classification: Likely pathogenic for Amyotrophic lateral sclerosis type 12. Last evaluated: 2022-04-07. Review status: criteria provided, single submitter. Criteria: ACMG Guidelines, 2015. Collection method: clinical testing. Allele origin: germline. Inheritance: Autosomal recessive inheritance. Affected: yes.
Comment: PVS1, PM2